The following is an entry in ClinVar:

NM_001134363.3(RBM20):c.3198C>G (p.Cys1066Trp)

Gene: RBM20 (RNA binding motif protein 20; plus strand). Cytogenetic location: 10q25.2.
Variant type: single nucleotide variant.
Coding change: c.3198C>G on transcript NM_001134363.3 (MANE Select); coding-DNA position 3198, C replaced by G.
Protein change: p.Cys1066Trp; replaces cysteine 1066 with tryptophan.
Molecular consequence: missense variant.
Genome position (GRCh38, 1-based): chr10:110,821,817, C>G. VCF-style: chr10-110821817-C-G. GRCh37 (hg19) VCF-style: chr10-112581575-C-G.
Other names: short protein forms C1066W.
Identifiers: ClinVar variation 2507184 (VCV002507184.1), dbSNP rs1844916348, ClinGen allele CA378381770.

ClinVar aggregate classification (germline): Uncertain significance (1 of 4 stars; one submission).

Submission:

GeneDx
Classification: Uncertain significance. Last evaluated: 2023-06-07. Review status: criteria provided, single submitter. Criteria: GeneDx Variant Classification Process June 2021. Collection method: clinical testing. Allele origin: germline. Affected: yes.
Comment: Has not been previously published as pathogenic or benign to our knowledge; Not observed at significant frequency in large population cohorts (gnomAD); In silico analysis supports that this missense variant does not alter protein structure/function